The following is an entry in ClinVar:

NM_001349338.3(FOXP1):c.496A>G (p.Lys166Glu)

Gene: FOXP1 (forkhead box P1; minus strand). Cytogenetic location: 3p13.
Variant type: single nucleotide variant.
Coding change: c.496A>G on transcript NM_001349338.3 (MANE Select); coding-DNA position 496, A replaced by G.
Protein change: p.Lys166Glu; replaces lysine 166 with glutamic acid.
Molecular consequence: missense variant. On other transcripts: non-coding transcript variant (2), intron variant (1).
Genome position (GRCh38, 1-based): chr3:71,052,551, T>C on the plus strand (A>G on the coding strand, the complement: FOXP1 is on the minus strand). VCF-style: chr3-71052551-T-C. GRCh37 (hg19) VCF-style: chr3-71101702-T-C.
Other names: c.496A>G, p.Lys166Glu (NM_001244808.3, NM_001244810.2, NM_001244814.3 and 4 more transcripts); c.196A>G, p.Lys66Glu (NM_001244813.3, NM_001244815.2, NM_001349342.3 and 1 more transcripts); c.193A>G, p.Lys65Glu (NM_001349337.2, NM_001349343.3, NM_001349344.3); c.493A>G, p.Lys165Glu (NM_001349341.3); c.283-5456A>G (NM_001244812.3); short protein forms K166E, K165E, K65E, K66E.
Identifiers: ClinVar variation 2799557 (VCV002799557.3), dbSNP rs1198807056, ClinGen allele CA353563652.

ClinVar aggregate classification (germline): Uncertain significance (1 of 4 stars; one submission).

gnomAD v4.1: 1 of 1,346,462 alleles (0.000074%); no homozygotes.

Submission:

Labcorp Genetics (formerly Invitae), Labcorp
Classification: Uncertain significance. Last evaluated: 2023-08-08. Review status: criteria provided, single submitter. Criteria: Invitae Variant Classification Sherloc (09022015). Collection method: clinical testing. Allele origin: germline.
Comment: Advanced modeling of protein sequence and biophysical properties (such as structural, functional, and spatial information, amino acid conservation, physicochemical variation, residue mobility, and thermodynamic stability) performed at Invitae indicates that this missense variant is not expected to disrupt FOXP1 protein function. In summary, the available evidence is currently insufficient to determine the role of this variant in disease. Therefore, it has been classified as a Variant of Uncertain Significance. This variant has not been reported in the literature in individuals affected with FOXP1-related conditions. This sequence change replaces lysine, which is basic and polar, with glutamic acid, which is acidic and polar, at codon 166 of the FOXP1 protein (p.Lys166Glu). This variant is present in population databases (no rsID available, gnomAD no frequency).